The following is an entry in ClinVar:

NM_000400.4(ERCC2):c.1280C>T (p.Thr427Ile)

Gene: ERCC2 (ERCC excision repair 2, TFIIH core complex helicase subunit; minus strand). Cytogenetic location: 19q13.32.
Variant type: single nucleotide variant.
Coding change: c.1280C>T on transcript NM_000400.4 (MANE Select); coding-DNA position 1280, C replaced by T.
Protein change: p.Thr427Ile; replaces threonine 427 with isoleucine.
Molecular consequence: missense variant.
Genome position (GRCh38, 1-based): chr19:45,357,657, G>A on the plus strand (C>T on the coding strand, the complement: ERCC2 is on the minus strand). VCF-style: chr19-45357657-G-A. GRCh37 (hg19) VCF-style: chr19-45860915-G-A.
Other names: c.1280C>T (NM_000400.3); short protein forms T427I.
Identifiers: ClinVar variation 1408307 (VCV001408307.6), dbSNP rs563069969, ClinGen allele CA308959396.

ClinVar aggregate classification (germline): Uncertain significance. Review status: criteria provided, multiple submitters, no conflicts (2 of 4 stars). 2 submissions from 2 submitters: Uncertain significance (2). Last evaluated 2025-12-11.

Conditions:
Inborn genetic diseases. Identifiers: MedGen C0950123, MeSH D030342.

Allele frequency attached by ClinVar (database versions not stated): gnomAD 0.00005 and 0.00004; TOPMed 0.00014; gnomAD exomes 0.00001.
gnomAD v4.1: 18 of 1,614,094 alleles (0.0011%); highest among the groups gnomAD compares: Admixed American, 0.018%; no homozygotes.

Submissions (2):

Ambry Genetics
Classification: Uncertain significance for Inborn genetic diseases. Last evaluated: 2025-12-11. Review status: criteria provided, single submitter. Criteria: Ambry Variant Classification Scheme 2023. Collection method: clinical testing. Allele origin: germline.

Labcorp Genetics (formerly Invitae), Labcorp
Classification: Uncertain significance. Last evaluated: 2025-01-13. Review status: criteria provided, single submitter. Criteria: Invitae Variant Classification Sherloc (09022015). Collection method: clinical testing. Allele origin: germline.
Comment: This sequence change replaces threonine, which is neutral and polar, with isoleucine, which is neutral and non-polar, at codon 427 of the ERCC2 protein (p.Thr427Ile). This variant is present in population databases (rs563069969, gnomAD 0.007%). This variant has not been reported in the literature in individuals affected with ERCC2-related conditions. ClinVar contains an entry for this variant (Variation ID: 1408307). Invitae Evidence Modeling of protein sequence and biophysical properties (such as structural, functional, and spatial information, amino acid conservation, physicochemical variation, residue mobility, and thermodynamic stability) indicates that this missense variant is expected to disrupt ERCC2 protein function with a positive predictive value of 80%. In summary, the available evidence is currently insufficient to determine the role of this variant in disease. Therefore, it has been classified as a Variant of Uncertain Significance.